The following is an entry in ClinVar:

NM_001966.4(EHHADH):c.481G>C (p.Asp161His)

Gene: EHHADH (enoyl-CoA hydratase and 3-hydroxyacyl CoA dehydrogenase; minus strand). Cytogenetic location: 3q27.2.
Variant type: single nucleotide variant.
Coding change: c.481G>C on transcript NM_001966.4 (MANE Select); coding-DNA position 481, G replaced by C.
Protein change: p.Asp161His; replaces aspartic acid 161 with histidine.
Molecular consequence: missense variant.
Genome position (GRCh38, 1-based): chr3:185,218,223, C>G on the plus strand (G>C on the coding strand, the complement: EHHADH is on the minus strand). VCF-style: chr3-185218223-C-G. GRCh37 (hg19) VCF-style: chr3-184936011-C-G.
Other names: c.193G>C, p.Asp65His (NM_001166415.2); short protein forms D161H, D65H.
Identifiers: ClinVar variation 3057748 (VCV003057748.2), dbSNP rs1300731830, ClinGen allele CA355681709.

ClinVar aggregate classification (germline): Uncertain significance (0 of 4 stars; one submission).

Conditions:
EHHADH-related disorder. Also called: EHHADH-related condition.

Allele frequency attached by ClinVar (database versions not stated): gnomAD 0.00002; gnomAD exomes 0.00002.
gnomAD v4.1: 25 of 1,605,030 alleles (0.0016%); highest among the groups gnomAD compares: Non-Finnish European, 0.0021%; no homozygotes.

Submission:

PreventionGenetics, part of Exact Sciences
Classification: Uncertain significance for EHHADH-related condition. Last evaluated: 2024-02-07. Review status: no assertion criteria provided. Collection method: clinical testing. Allele origin: germline.
Comment: The EHHADH c.481G>C variant is predicted to result in the amino acid substitution p.Asp161His. To our knowledge, this variant has not been reported in the literature. This variant is reported in 0.0065% of alleles in individuals of European (Non-Finnish) descent in gnomAD. At this time, the clinical significance of this variant is uncertain due to the absence of conclusive functional and genetic evidence.